The following is an entry in ClinVar:

NM_004104.5(FASN):c.3245G>C (p.Arg1082Thr)

Gene: FASN (fatty acid synthase; minus strand). Cytogenetic location: 17q25.3.
Variant type: single nucleotide variant.
Coding change: c.3245G>C on transcript NM_004104.5 (MANE Select); coding-DNA position 3245, G replaced by C.
Protein change: p.Arg1082Thr; replaces arginine 1082 with threonine.
Molecular consequence: missense variant.
Genome position (GRCh38, 1-based): chr17:82,087,232, C>G on the plus strand (G>C on the coding strand, the complement: FASN is on the minus strand). VCF-style: chr17-82087232-C-G. GRCh37 (hg19) VCF-style: chr17-80045108-C-G.
Other names: short protein forms R1082T.
Identifiers: ClinVar variation 1406393 (VCV001406393.8), dbSNP rs2144793910, ClinGen allele CA401553424.

ClinVar aggregate classification (germline): Uncertain significance (1 of 4 stars; one submission).

Conditions:
Epileptic encephalopathy. Identifiers: MedGen C0543888, HP:0200134.

Submission:

Labcorp Genetics (formerly Invitae), Labcorp
Classification: Uncertain significance for Epileptic encephalopathy. Last evaluated: 2022-10-17. Review status: criteria provided, single submitter. Criteria: Invitae Variant Classification Sherloc (09022015). Collection method: clinical testing. Allele origin: germline.
Comment: In summary, the available evidence is currently insufficient to determine the role of this variant in disease. Therefore, it has been classified as a Variant of Uncertain Significance. Algorithms developed to predict the effect of missense changes on protein structure and function (SIFT, PolyPhen-2, Align-GVGD) all suggest that this variant is likely to be tolerated. This variant has not been reported in the literature in individuals affected with FASN-related conditions. This variant is not present in population databases (gnomAD no frequency). This sequence change replaces arginine, which is basic and polar, with threonine, which is neutral and polar, at codon 1082 of the FASN protein (p.Arg1082Thr). ClinVar contains an entry for this variant (Variation ID: 1406393).